The following is an entry in ClinVar:

NM_006129.5(BMP1):c.1630T>C (p.Phe544Leu)

Genes: BMP1 (bone morphogenetic protein 1; plus strand), LOC113788269 (BRD4-independent group 4 enhancer GRCh37_chr8:22052064-22053263; plus strand). Cytogenetic location: 8p21.3.
Variant type: single nucleotide variant.
Coding change: c.1630T>C on transcript NM_006129.5 (MANE Select); coding-DNA position 1630, T replaced by C.
Protein change: p.Phe544Leu; replaces phenylalanine 544 with leucine.
Molecular consequence: missense variant. On other transcripts: non-coding transcript variant (2).
Genome position (GRCh38, 1-based): chr8:22,194,910, T>C. VCF-style: chr8-22194910-T-C. GRCh37 (hg19) VCF-style: chr8-22052423-T-C.
Other names: c.1630T>C (NM_006129.4); c.1630T>C, p.Phe544Leu (NM_001199.4); short protein forms F544L.
Identifiers: ClinVar variation 1415874 (VCV001415874.2), dbSNP rs1435211390, ClinGen allele CA370495087.

ClinVar aggregate classification (germline): Uncertain significance. Review status: criteria provided, multiple submitters, no conflicts (2 of 4 stars). 2 submissions from 2 submitters: Uncertain significance (2). Last evaluated 2025-04-07.

Conditions:
Inborn genetic diseases. Identifiers: MedGen C0950123, MeSH D030342.

Allele frequency attached by ClinVar (database versions not stated): gnomAD 0.00001; gnomAD exomes below 0.00001 and 0.00001; TOPMed 0.00001.
gnomAD v4.1: 23 of 1,607,606 alleles (0.0014%); highest among the groups gnomAD compares: Non-Finnish European, 0.0018%; no homozygotes.

Submissions (2):

Ambry Genetics
Classification: Uncertain significance for Inborn genetic diseases. Last evaluated: 2025-04-07. Review status: criteria provided, single submitter. Criteria: Ambry Variant Classification Scheme 2023. Collection method: clinical testing. Allele origin: germline.

Labcorp Genetics (formerly Invitae), Labcorp
Classification: Uncertain significance. Last evaluated: 2021-11-02. Review status: criteria provided, single submitter. Criteria: Invitae Variant Classification Sherloc (09022015). Collection method: clinical testing. Allele origin: germline.
Comment: This sequence change replaces phenylalanine, which is neutral and non-polar, with leucine, which is neutral and non-polar, at codon 544 of the BMP1 protein (p.Phe544Leu). This variant is present in population databases (no rsID available, gnomAD 0.002%). This variant has not been reported in the literature in individuals affected with BMP1-related conditions. Algorithms developed to predict the effect of missense changes on protein structure and function are either unavailable or do not agree on the potential impact of this missense change (SIFT: "Deleterious"; PolyPhen-2: "Probably Damaging"; Align-GVGD: "Class C15"). In summary, the available evidence is currently insufficient to determine the role of this variant in disease. Therefore, it has been classified as a Variant of Uncertain Significance.